The following is an entry in ClinVar:

NM_001184.4(ATR):c.6487A>G (p.Ile2163Val)

Gene: ATR (ATR checkpoint kinase; minus strand). Cytogenetic location: 3q23.
Variant type: single nucleotide variant.
Coding change: c.6487A>G on transcript NM_001184.4 (MANE Select); coding-DNA position 6487, A replaced by G.
Protein change: p.Ile2163Val; replaces isoleucine 2163 with valine.
Molecular consequence: missense variant.
Genome position (GRCh38, 1-based): chr3:142,469,402, T>C on the plus strand (A>G on the coding strand, the complement: ATR is on the minus strand). VCF-style: chr3-142469402-T-C. GRCh37 (hg19) VCF-style: chr3-142188244-T-C.
Other names: c.6295A>G, p.Ile2099Val (NM_001354579.2); short protein forms I2099V, I2163V.
Identifiers: ClinVar variation 1753791 (VCV001753791.3), dbSNP rs1164077204, ClinGen allele CA354804517.

ClinVar aggregate classification (germline): Uncertain significance (1 of 4 stars; one submission).

Conditions:
Inborn genetic diseases. Identifiers: MedGen C0950123, MeSH D030342.

Allele frequency attached by ClinVar (database versions not stated): gnomAD exomes below 0.00001; gnomAD 0.00002; TOPMed 0.00002.
gnomAD v4.1: 4 of 1,613,898 alleles (0.00025%); highest among the groups gnomAD compares: African/African-American, 0.004%; no homozygotes.

Submission:

Ambry Genetics
Classification: Uncertain significance for Inborn genetic diseases. Last evaluated: 2024-08-02. Review status: criteria provided, single submitter. Criteria: Ambry Variant Classification Scheme 2023. Collection method: clinical testing. Allele origin: germline.
Comment: The p.I2163V variant (also known as c.6487A>G), located in coding exon 38 of the ATR gene, results from an A to G substitution at nucleotide position 6487. The isoleucine at codon 2163 is replaced by valine, an amino acid with highly similar properties. This amino acid position is conserved. In addition, this alteration is predicted to be tolerated by in silico analysis. Since supporting evidence is limited at this time, the clinical significance of this alteration remains unclear.